The following is an entry in ClinVar:

NM_002691.4(POLD1):c.1702C>A (p.Leu568Met)

Gene: POLD1 (DNA polymerase delta 1, catalytic subunit; plus strand). Cytogenetic location: 19q13.33.
Variant type: single nucleotide variant.
Coding change: c.1702C>A on transcript NM_002691.4 (MANE Select); coding-DNA position 1702, C replaced by A.
Protein change: p.Leu568Met; replaces leucine 568 with methionine.
Molecular consequence: missense variant. On other transcripts: non-coding transcript variant (1).
Genome position (GRCh38, 1-based): chr19:50,407,342, C>A. VCF-style: chr19-50407342-C-A. GRCh37 (hg19) VCF-style: chr19-50910599-C-A.
Other names: c.1702C>A, p.Leu568Met (NM_001256849.1, NM_001308632.1, NM_001438210.1 and 3 more transcripts); short protein forms L568M.
Identifiers: ClinVar variation 5027008 (VCV005027008.1).

ClinVar aggregate classification (germline): Uncertain significance (1 of 4 stars; one submission).

Conditions:
Hereditary cancer-predisposing syndrome. Also called: Neoplastic Syndromes, Hereditary; Tumor predisposition; Hereditary neoplastic syndrome; Hereditary Cancer Syndrome. Identifiers: Orphanet 140162, MedGen C0027672, MeSH D009386, MONDO:0015356.

Submission:

Ambry Genetics
Classification: Uncertain significance for Hereditary cancer-predisposing syndrome. Last evaluated: 2026-08-18. Review status: criteria provided, single submitter. Criteria: Ambry Variant Classification Scheme 2023. Collection method: clinical testing. Allele origin: germline.
Comment: The p.L568M variant (also known as c.1702C>A), located in coding exon 13 of the POLD1 gene, results from a C to A substitution at nucleotide position 1702. The leucine at codon 568 is replaced by methionine, an amino acid with highly similar properties. This amino acid position is conserved. In addition, this alteration is predicted to be tolerated by in silico analysis. Based on the available evidence, the clinical significance of this variant remains unclear.